The following is an entry in ClinVar:

NM_003900.5(SQSTM1):c.529G>C (p.Glu177Gln)

Gene: SQSTM1 (sequestosome 1; plus strand). Cytogenetic location: 5q35.3.
Variant type: single nucleotide variant.
Coding change: c.529G>C on transcript NM_003900.5 (MANE Select); coding-DNA position 529, G replaced by C.
Protein change: p.Glu177Gln; replaces glutamic acid 177 with glutamine.
Molecular consequence: missense variant.
Genome position (GRCh38, 1-based): chr5:179,824,085, G>C. VCF-style: chr5-179824085-G-C. GRCh37 (hg19) VCF-style: chr5-179251085-G-C.
Other names: c.529G>C (NM_003900.4); c.277G>C, p.Glu93Gln (NM_001142298.2, NM_001142299.2); short protein forms E93Q, E177Q.
Identifiers: ClinVar variation 2197220 (VCV002197220.5), dbSNP rs941154893, ClinGen allele CA133098780.
Genomic context (GRCh38, chr5:179,824,085, plus strand): 5'-AAGGGCTTGCACCGGGGGCACACCAAGCTCGCATTCCCCAGCCCCTTCGGGCACCTGTCT[G>C]AGGTGAGCAGGCCCTCTGTGCAGGCCTGGGGTGGGCTCAGGGTGGCAGGAACCTTGACCC-3'
Protein context (NP_003891.1, residues 167-187): AFPSPFGHLS[Glu177Gln]GFSHSRWLRK

ClinVar aggregate classification (germline): Uncertain significance. Review status: criteria provided, multiple submitters, no conflicts (2 of 4 stars). 2 submissions from 2 submitters: Uncertain significance (2). Last evaluated 2025-06-07.

Conditions:
Paget disease of bone 2, early-onset (PDB2). Also called: Paget disease of bone 2. Identifiers: MedGen C4085251, MONDO:0011183, OMIM 602080.
Frontotemporal dementia and/or amyotrophic lateral sclerosis 1 (FTDALS1). Also called: C9orf72 Frontotemporal Dementia and/or Amyotrophic Lateral Sclerosis; Frontotemporal dementia with motor neuron disease 1. Identifiers: Orphanet 275872, MedGen C5779877, MONDO:0007105, OMIM 105550.
Inborn genetic diseases. Identifiers: MedGen C0950123, MeSH D030342.

Allele frequency attached by ClinVar (database versions not stated): gnomAD exomes below 0.00001; gnomAD 0.00003; TOPMed 0.00006.
gnomAD v4.1: 10 of 1,613,748 alleles (0.00062%); highest among the groups gnomAD compares: African/African-American, 0.0093%; no homozygotes.

Submissions (2):

Labcorp Genetics (formerly Invitae), Labcorp
Classification: Uncertain significance for Paget disease of bone 2, early-onset; Frontotemporal dementia and/or amyotrophic lateral sclerosis 1. Last evaluated: 2025-06-07. Review status: criteria provided, single submitter. Criteria: Invitae Variant Classification Sherloc (09022015). Collection method: clinical testing. Allele origin: germline.
Comment: This sequence change replaces glutamic acid, which is acidic and polar, with glutamine, which is neutral and polar, at codon 177 of the SQSTM1 protein (p.Glu177Gln). This variant is present in population databases (no rsID available, gnomAD 0.01%). This variant has not been reported in the literature in individuals affected with SQSTM1-related conditions. ClinVar contains an entry for this variant (Variation ID: 2197220). An algorithm developed to predict the effect of missense changes on protein structure and function (PolyPhen-2) suggests that this variant is likely to be tolerated. In summary, the available evidence is currently insufficient to determine the role of this variant in disease. Therefore, it has been classified as a Variant of Uncertain Significance.

Ambry Genetics
Classification: Uncertain significance for Inborn genetic diseases. Last evaluated: 2025-05-03. Review status: criteria provided, single submitter. Criteria: Ambry Variant Classification Scheme 2023. Collection method: clinical testing. Allele origin: germline.